The following is an entry in ClinVar:

NM_001165963.4(SCN1A):c.2950C>G (p.Leu984Val)

Gene: SCN1A (sodium voltage-gated channel alpha subunit 1; minus strand). Cytogenetic location: 2q24.3.
Variant type: single nucleotide variant.
Coding change: c.2950C>G on transcript NM_001165963.4 (MANE Select); coding-DNA position 2950, C replaced by G.
Protein change: p.Leu984Val; replaces leucine 984 with valine.
Molecular consequence: missense variant. On other transcripts: non-coding transcript variant (1).
Genome position (GRCh38, 1-based): chr2:166,036,527, G>C on the plus strand (C>G on the coding strand, the complement: SCN1A is on the minus strand). VCF-style: chr2-166036527-G-C. GRCh37 (hg19) VCF-style: chr2-166893037-G-C.
Other names: c.2866C>G, p.Leu956Val (NM_001165964.3, NM_001353957.2, NM_001353958.2); c.2950C>G, p.Leu984Val (NM_001202435.3, NM_001353948.2); c.2917C>G, p.Leu973Val (NM_001353949.2, NM_001353950.2, NM_001353951.2 and 2 more transcripts); c.2914C>G, p.Leu972Val (NM_001353954.2, NM_001353955.2); c.2863C>G, p.Leu955Val (NM_001353960.2); c.508C>G, p.Leu170Val (NM_001353961.2); short protein forms L955V, L972V, L170V, L984V, L956V, L973V.
Identifiers: ClinVar variation 1453730 (VCV001453730.7), dbSNP rs2105797686, ClinGen allele CA349060651.

ClinVar aggregate classification (germline): Pathogenic (1 of 4 stars; one submission).

Conditions:
Early-infantile DEE. Also called: Early infantile epileptic encephalopathy with suppression bursts; Early infantile epileptic encephalopathy; Ohtahara syndrome. Identifiers: Orphanet 1934, MedGen C0393706, MONDO:0800491.

Submission:

Labcorp Genetics (formerly Invitae), Labcorp
Classification: Pathogenic for Early-infantile DEE. Last evaluated: 2022-11-15. Review status: criteria provided, single submitter. Criteria: Invitae Variant Classification Sherloc (09022015). Collection method: clinical testing. Allele origin: germline.
Comment: For these reasons, this variant has been classified as Pathogenic. Advanced modeling of protein sequence and biophysical properties (such as structural, functional, and spatial information, amino acid conservation, physicochemical variation, residue mobility, and thermodynamic stability) performed at Invitae indicates that this missense variant is expected to disrupt SCN1A protein function. ClinVar contains an entry for this variant (Variation ID: 1453730). This missense change has been observed in individual(s) with clinical features of SCN1A-related conditions (Invitae). In at least one individual the variant was observed to be de novo. This variant is not present in population databases (gnomAD no frequency). This sequence change replaces leucine, which is neutral and non-polar, with valine, which is neutral and non-polar, at codon 984 of the SCN1A protein (p.Leu984Val).